The following is an entry in ClinVar:

ClinVar aggregate classification (germline): Conflicting classifications of pathogenicity. Review status: criteria provided, conflicting classifications (1 of 4 stars). 3 submissions from 3 submitters: Uncertain significance (1); Likely benign (1). 1 of the submissions does not count toward it. Last evaluated 2026-02-01.

Conditions:
Age related macular degeneration 1 (ARMD1). Also called: MACULOPATHY, AGE-RELATED, 1. Identifiers: MedGen C1864205, MONDO:0011285, OMIM 603075.
HMCN1-related disorder. Also called: HMCN1-related condition.

Allele frequency attached by ClinVar (database versions not stated): ESP Exome Variant Server 0.00008; TOPMed 0.00015; gnomAD exomes 0.00016; ExAC 0.00018; gnomAD 0.00019.
gnomAD v4.1: 393 of 1,614,034 alleles (0.024%); highest among the groups gnomAD compares: Non-Finnish European, 0.03%; no homozygotes.

Submissions (3):

Labcorp Genetics (formerly Invitae), Labcorp
Classification: Likely benign. Last evaluated: 2026-02-01. Review status: criteria provided, single submitter. Criteria: Invitae Variant Classification Sherloc (09022015). Collection method: clinical testing. Allele origin: germline.

Illumina Laboratory Services, Illumina
Classification: Uncertain significance for Age related macular degeneration 1. Last evaluated: 2018-01-13. Review status: criteria provided, single submitter. Criteria: ICSL Variant Classification Criteria 13 December 2019. Collection method: clinical testing. Allele origin: germline.

PreventionGenetics, part of Exact Sciences
Classification: Likely benign for HMCN1-related condition. Last evaluated: 2019-11-21. Review status: no assertion criteria provided. Collection method: clinical testing. Allele origin: germline. Not counted in ClinVar's aggregate classification.
Comment: This variant is classified as likely benign based on ACMG/AMP sequence variant interpretation guidelines (Richards et al. 2015 PMID: 25741868, with internal and published modifications).

NM_031935.3(HMCN1):c.15440-9C>T

Gene: HMCN1 (hemicentin 1; plus strand). Cytogenetic location: 1q31.1.
Variant type: single nucleotide variant.
Coding change: c.15440-9C>T on transcript NM_031935.3 (MANE Select); 9 bases into the intron before coding-DNA position 15440, C replaced by T.
Molecular consequence: intron variant.
Genome position (GRCh38, 1-based): chr1:186,166,799, C>T. VCF-style: chr1-186166799-C-T. GRCh37 (hg19) VCF-style: chr1-186135931-C-T.
Identifiers: ClinVar variation 875037 (VCV000875037.13), dbSNP rs374670687, ClinGen allele CA1295263.
Genomic context (GRCh38, chr1:186,166,799, plus strand): 5'-ATTTCACCGCAGGTTCTTGGGCTGGGTGTTCTTCAGCTCACCTCAGTTGAATGATTCCCT[C>T]TGTTGCAGATATTGATGAGTGTGCTTTGGGTAGGCATACCTGCCACGCTGGTCAGGACTG-3'